The following is an entry in ClinVar:

NM_000059.4(BRCA2):c.4724A>G (p.Asp1575Gly)

Gene: BRCA2 (BRCA2 DNA repair associated; plus strand). Cytogenetic location: 13q13.1.
Variant type: single nucleotide variant.
Coding change: c.4724A>G on transcript NM_000059.4 (MANE Select); coding-DNA position 4724, A replaced by G.
Protein change: p.Asp1575Gly; replaces aspartic acid 1575 with glycine.
Molecular consequence: missense variant.
Genome position (GRCh38, 1-based): chr13:32,339,079, A>G. VCF-style: chr13-32339079-A-G. GRCh37 (hg19) VCF-style: chr13-32913216-A-G.
Other names: c.4724A>G, p.Asp1575Gly (NM_001406719.1, NM_001406720.1); short protein forms D1575G.
Identifiers: ClinVar variation 1742675 (VCV001742675.4), dbSNP rs2137509506, ClinGen allele CA387782989.

ClinVar aggregate classification (germline): Conflicting classifications of pathogenicity. Review status: criteria provided, conflicting classifications (1 of 4 stars). 2 submissions from 2 submitters: Uncertain significance (1); Likely benign (1). Last evaluated 2023-03-23.

Conditions:
Hereditary cancer-predisposing syndrome. Also called: Hereditary Cancer Syndrome; Hereditary neoplastic syndrome; Neoplastic Syndromes, Hereditary; Tumor predisposition. Identifiers: Orphanet 140162, MedGen C0027672, MeSH D009386, MONDO:0015356.

Submissions (2):

University of Washington Department of Laboratory Medicine, University of Washington
Classification: Likely benign for Hereditary cancer-predisposing syndrome. Last evaluated: 2023-03-23. Review status: criteria provided, single submitter. Criteria: Dines et al. (Genet Med. 2020). Collection method: curation. Allele origin: germline.
Comment: Missense variant in a coldspot region where missense variants are very unlikely to be pathogenic (PMID:31911673).

BRCA2 exon 11 coldspot. Reclassification based on statistical prior probability.

Ambry Genetics
Classification: Uncertain significance for Hereditary cancer-predisposing syndrome. Last evaluated: 2021-06-14. Review status: criteria provided, single submitter. Criteria: Ambry Variant Classification Scheme 2023. Collection method: clinical testing. Allele origin: germline.
Comment: The p.D1575G variant (also known as c.4724A>G), located in coding exon 10 of the BRCA2 gene, results from an A to G substitution at nucleotide position 4724. The aspartic acid at codon 1575 is replaced by glycine, an amino acid with similar properties. This amino acid position is poorly conserved in available vertebrate species. In addition, this alteration is predicted to be tolerated by in silico analysis. Since supporting evidence is limited at this time, the clinical significance of this alteration remains unclear.